The following is an entry in ClinVar:

ClinVar aggregate classification (germline): Pathogenic (1 of 4 stars; one submission).

Conditions:
Early-infantile DEE. Also called: Early infantile epileptic encephalopathy; Ohtahara syndrome; Early infantile epileptic encephalopathy with suppression bursts. Identifiers: Orphanet 1934, MedGen C0393706, MONDO:0800491.

Submission:

Labcorp Genetics (formerly Invitae), Labcorp
Classification: Pathogenic for Early-infantile DEE. Last evaluated: 2023-10-30. Review status: criteria provided, single submitter. Criteria: Invitae Variant Classification Sherloc (09022015). Collection method: clinical testing. Allele origin: germline.
Comment: This variant results in the deletion of part of exon 23 (c.4476_4476+2del) of the SCN1A gene. It is expected to disrupt RNA splicing. Variants that disrupt the donor or acceptor splice site typically lead to a loss of protein function (PMID: 16199547), and loss-of-function variants in SCN1A are known to be pathogenic (PMID: 17347258, 18930999). This variant is not present in population databases (gnomAD no frequency). This variant has been observed in individual(s) with clinical features of SCN1A-related conditions (Invitae). In at least one individual the variant was observed to be de novo. ClinVar contains an entry for this variant (Variation ID: 2120728). Algorithms developed to predict the effect of sequence changes on RNA splicing suggest that this variant may disrupt the consensus splice site. For these reasons, this variant has been classified as Pathogenic.

Literature cited by the submitters: PubMed 16199547; PubMed 17347258; PubMed 18930999.

NM_001165963.4(SCN1A):c.4476_4476+2del

Genes: SCN1A (sodium voltage-gated channel alpha subunit 1; minus strand), LOC102724058 (uncharacterized LOC102724058; plus strand). Cytogenetic location: 2q24.3.
Variant type: Deletion.
Coding change: c.4476_4476+2del on transcript NM_001165963.4 (MANE Select); coding-DNA position 4476 through the canonical splice donor site of the intron after coding-DNA position 4476, 3 bases deleted (GAT; older notation c.4476_4476+2delGAT).
Molecular consequence: splice donor variant.
Genome position (GRCh38, 1-based): chr2:165,998,036-165,998,038, ATC deleted on the plus strand (GAT on the coding strand, the reverse complement: SCN1A is on the minus strand). VCF-style (leftmost placement, unchanged base first): chr2-165998035-TATC-T. GRCh37 (hg19) VCF-style: chr2-166854545-TATC-T.
Other names: c.4443_4443+2del (NM_001353949.2, NM_001353950.2, NM_001353951.2 and 2 more transcripts); c.4392_4392+2del (NM_001353958.2, NM_001353957.2, NM_001165964.3); c.4476_4476+2del (NM_001202435.3, NM_001353948.2); c.4440_4440+2del (NM_001353955.2, NM_001353954.2); c.4389_4389+2del (NM_001353960.2); c.2034_2034+2del (NM_001353961.2).
Identifiers: ClinVar variation 2120728 (VCV002120728.4), dbSNP rs2468393311, ClinGen allele CA2580064391.
Genomic context (GRCh38, chr2:165,998,035, plus strand): 5'-GAGAAAACACTCCAAGGAATAATTTTCTATCTCAGTGGGAGAGAAAATATTAGAAATACT[TATC>T]TTCTTTTTCTGCTGGTTGAAATTATCTATGATGACACCAATAAACAGGTTCAAGGTGAAG-3'